The following is an entry in ClinVar:

ClinVar aggregate classification (germline): Uncertain significance (1 of 4 stars; one submission).

Conditions:
Spastic paraplegia. Identifiers: MedGen C0037772, HP:0001258.

gnomAD v4.1: 5 of 1,605,728 alleles (0.00031%); highest among the groups gnomAD compares: African/African-American, 0.0067%; no homozygotes.

Submission:

Labcorp Genetics (formerly Invitae), Labcorp
Classification: Uncertain significance for Spastic paraplegia. Last evaluated: 2023-08-04. Review status: criteria provided, single submitter. Criteria: Invitae Variant Classification Sherloc (09022015). Collection method: clinical testing. Allele origin: germline.
Comment: In summary, the available evidence is currently insufficient to determine the role of this variant in disease. Therefore, it has been classified as a Variant of Uncertain Significance. An algorithm developed to predict the effect of missense changes on protein structure and function (PolyPhen-2) suggests that this variant is likely to be tolerated. This variant has not been reported in the literature in individuals affected with ZFYVE27-related conditions. This variant is present in population databases (no rsID available, gnomAD 0.02%). This sequence change replaces arginine, which is basic and polar, with proline, which is neutral and non-polar, at codon 139 of the ZFYVE27 protein (p.Arg139Pro).

NM_001385875.1(ZFYVE27):c.416G>C (p.Arg139Pro)

Gene: ZFYVE27 (zinc finger FYVE-type containing 27; plus strand). Cytogenetic location: 10q24.2.
Variant type: single nucleotide variant.
Coding change: c.416G>C on transcript NM_001385875.1 (MANE Select); coding-DNA position 416, G replaced by C.
Protein change: p.Arg139Pro; replaces arginine 139 with proline.
Molecular consequence: missense variant. On other transcripts: non-coding transcript variant (15), intron variant (9).
Genome position (GRCh38, 1-based): chr10:97,744,876, G>C. VCF-style: chr10-97744876-G-C. GRCh37 (hg19) VCF-style: chr10-99504633-G-C.
Other names: c.416G>C, p.Arg139Pro (NM_001385883.1, NM_001385884.1, NM_001385886.1 and 10 more transcripts); c.320G>C, p.Arg107Pro (NM_001385885.1, NM_001385887.1, NM_001385888.1 and 1 more transcripts); c.212G>C, p.Arg71Pro (NM_001385890.1, NM_001385891.1, NM_001385892.1 and 6 more transcripts); c.179G>C, p.Arg60Pro (NM_001385904.1, NM_001385905.1, NM_001385916.1 and 4 more transcripts); c.122G>C, p.Arg41Pro (NM_001385915.1, NM_001174121.2); c.455G>C, p.Arg152Pro (NM_001385876.1); c.380G>C, p.Arg127Pro (NM_001385881.1); c.198-3393G>C (NM_001385902.1, NM_001385908.1, NM_001385901.1 and 3 more transcripts); and 2 more; short protein forms R127P, R139P, R60P, R41P, R107P, R152P, R71P.
Identifiers: ClinVar variation 2885854 (VCV002885854.3), dbSNP rs1040361764, ClinGen allele CA212724789.